The following is an entry in ClinVar:

ClinVar aggregate classification (germline): Uncertain significance (1 of 4 stars; one submission).

Conditions:
Progressive myoclonic epilepsy type 9. Identifiers: Orphanet 457265, MedGen C4225289, MONDO:0014685, OMIM 616540.
Lipodystrophy, partial, acquired, susceptibility to (APLD). Also called: APLD, SUSCEPTIBILITY TO. Identifiers: MedGen C3887501, MONDO:0100476, OMIM 608709.

Submission:

Labcorp Genetics (formerly Invitae), Labcorp
Classification: Uncertain significance for Progressive myoclonic epilepsy type 9; Lipodystrophy, partial, acquired, susceptibility to. Last evaluated: 2021-02-03. Review status: criteria provided, single submitter. Criteria: Invitae Variant Classification Sherloc (09022015). Collection method: clinical testing. Allele origin: germline.
Comment: This sequence change falls in intron 7 of the LMNB2 gene. It does not directly change the encoded amino acid sequence of the LMNB2 protein. This variant is not present in population databases (ExAC no frequency). This variant has not been reported in the literature in individuals with LMNB2-related conditions. Algorithms developed to predict the effect of sequence changes on RNA splicing suggest that this variant may create or strengthen a splice site, but this prediction has not been confirmed by published transcriptional studies. In summary, the available evidence is currently insufficient to determine the role of this variant in disease. Therefore, it has been classified as a Variant of Uncertain Significance.

NM_032737.4(LMNB2):c.1203-14T>A

Gene: LMNB2 (lamin B2; minus strand). Cytogenetic location: 19p13.3.
Variant type: single nucleotide variant.
Coding change: c.1203-14T>A on transcript NM_032737.4 (MANE Select); 14 bases into the intron before coding-DNA position 1203, T replaced by A.
Molecular consequence: intron variant.
Genome position (GRCh38, 1-based): chr19:2,434,119, A>T on the plus strand (T>A on the coding strand, the complement: LMNB2 is on the minus strand). VCF-style: chr19-2434119-A-T. GRCh37 (hg19) VCF-style: chr19-2434117-A-T.
Identifiers: ClinVar variation 1369306 (VCV001369306.8), dbSNP rs1362758350, ClinGen allele CA2573155832.